The following is an entry in ClinVar:

ClinVar aggregate classification (germline): Uncertain significance. Review status: criteria provided, multiple submitters, no conflicts (2 of 4 stars). 2 submissions from 2 submitters: Uncertain significance (2). Last evaluated 2025-03-08.

Conditions:
Inborn genetic diseases. Identifiers: MedGen C0950123, MeSH D030342.
DAAM2-related disorder. Also called: DAAM2-related condition.

Allele frequency attached by ClinVar (database versions not stated): gnomAD 0.00011; TOPMed 0.00011; ESP Exome Variant Server 0.00016; gnomAD exomes 0.00020; ExAC 0.00031.
gnomAD v4.1: 313 of 1,613,826 alleles (0.019%); highest among the groups gnomAD compares: Middle Eastern, 0.033%; 1 homozygote.

Submissions (2):

Ambry Genetics
Classification: Uncertain significance for Inborn genetic diseases. Last evaluated: 2025-03-08. Review status: criteria provided, single submitter. Criteria: Ambry Variant Classification Scheme 2023. Collection method: clinical testing. Allele origin: germline.

PreventionGenetics, part of Exact Sciences
Classification: Uncertain significance for DAAM2-related condition. Last evaluated: 2022-12-16. Review status: criteria provided, single submitter. Criteria: ACMG Guidelines, 2015. Collection method: clinical testing. Allele origin: germline.
Comment: The DAAM2 c.2866G>A variant is predicted to result in the amino acid substitution p.Glu956Lys. To our knowledge, this variant has not been reported in the literature. This variant is reported in 0.033% of alleles in individuals of European (Non-Finnish) descent in gnomAD. At this time, the clinical significance of this variant is uncertain due to the absence of conclusive functional and genetic evidence.

NM_001201427.2(DAAM2):c.2866G>A (p.Glu956Lys)

Gene: DAAM2 (dishevelled associated activator of morphogenesis 2; plus strand). Cytogenetic location: 6p21.2.
Variant type: single nucleotide variant.
Coding change: c.2866G>A on transcript NM_001201427.2 (MANE Select); coding-DNA position 2866, G replaced by A.
Protein change: p.Glu956Lys; replaces glutamic acid 956 with lysine.
Molecular consequence: missense variant.
Genome position (GRCh38, 1-based): chr6:39,901,356, G>A. VCF-style: chr6-39901356-G-A. GRCh37 (hg19) VCF-style: chr6-39869132-G-A.
Other names: c.2863G>A, p.Glu955Lys (NM_015345.4); short protein forms E955K, E956K.
Identifiers: ClinVar variation 2230233 (VCV002230233.4), dbSNP rs370518716, ClinGen allele CA3795446.